The following is an entry in ClinVar:

ClinVar aggregate classification (germline): Uncertain significance (1 of 4 stars; one submission).

Submission:

Dasa
Classification: Uncertain significance. Last evaluated: 2025-06-29. Review status: criteria provided, single submitter. Criteria: DASA Assertion Criteria. Collection method: clinical testing. Allele origin: germline.
Comment: NM_001081.4(CUBN):c.8212C>A (p.Pro2738Thr) is a missense variant that results in the substitution of proline with threonine. This variant is absent from population databases. Computational prediction algorithms are consistent with a benign effect. The currently available literature and clinical evidence are not sufficient to establish a definitive association between this variant and the reported condition. Therefore, this variant is classified as a variant of uncertain significance.

NM_001081.4(CUBN):c.8212C>A (p.Pro2738Thr)

Gene: CUBN (cubilin; minus strand). Cytogenetic location: 10p13.
Variant type: single nucleotide variant.
Coding change: c.8212C>A on transcript NM_001081.4 (MANE Select); coding-DNA position 8212, C replaced by A.
Protein change: p.Pro2738Thr; replaces proline 2738 with threonine.
Molecular consequence: missense variant.
Genome position (GRCh38, 1-based): chr10:16,900,823, G>T on the plus strand (C>A on the coding strand, the complement: CUBN is on the minus strand). VCF-style: chr10-16900823-G-T. GRCh37 (hg19) VCF-style: chr10-16942822-G-T.
Other names: short protein forms P2738T.
Identifiers: ClinVar variation 4885600 (VCV004885600.2).